The following is an entry in ClinVar:

NM_172107.4(KCNQ2):c.1943T>C (p.Met648Thr)

Gene: KCNQ2 (potassium voltage-gated channel subfamily Q member 2; minus strand). Cytogenetic location: 20q13.33.
Variant type: single nucleotide variant.
Coding change: c.1943T>C on transcript NM_172107.4 (MANE Select); coding-DNA position 1943, T replaced by C.
Protein change: p.Met648Thr; replaces methionine 648 with threonine.
Molecular consequence: missense variant.
Genome position (GRCh38, 1-based): chr20:63,407,320, A>G on the plus strand (T>C on the coding strand, the complement: KCNQ2 is on the minus strand). VCF-style: chr20-63407320-A-G. GRCh37 (hg19) VCF-style: chr20-62038673-A-G.
Other names: c.1997T>C, p.Met666Thr (NM_001382235.1); c.1859T>C, p.Met620Thr (NM_004518.6); c.1889T>C, p.Met630Thr (NM_172106.3); c.1850T>C, p.Met617Thr (NM_172108.5); short protein forms M617T, M620T, M648T, M666T, M630T.
Identifiers: ClinVar variation 4041814 (VCV004041814.2).

ClinVar aggregate classification (germline): Uncertain significance. Review status: criteria provided, multiple submitters, no conflicts (2 of 4 stars). 2 submissions from 2 submitters: Uncertain significance (2). Last evaluated 2026-02-19.

Conditions:
Inborn genetic diseases. Identifiers: MedGen C0950123, MeSH D030342.

Submissions (2):

GeneDx
Classification: Uncertain significance. Last evaluated: 2026-02-19. Review status: criteria provided, single submitter. Criteria: GeneDx Variant Classification Process June 2021. Collection method: clinical testing. Allele origin: germline.
Comment: Not observed at significant frequency in large population cohorts (gnomAD); In silico analysis suggests that this missense variant does not alter protein structure/function; Has not been previously published as pathogenic or benign to our knowledge; This substitution is predicted to be within the C-terminal cytoplasmic domain

Ambry Genetics
Classification: Uncertain significance for Inborn genetic diseases. Last evaluated: 2025-03-25. Review status: criteria provided, single submitter. Criteria: Ambry Variant Classification Scheme 2023. Collection method: clinical testing. Allele origin: germline.